The following is an entry in ClinVar:

ClinVar aggregate classification (germline): Likely benign (1 of 4 stars; one submission).

Conditions:
PLXNA4-related disorder. Also called: PLXNA4-related condition.

Submission:

PreventionGenetics, part of Exact Sciences
Classification: Likely benign for PLXNA4-related condition. Last evaluated: 2025-03-22. Review status: criteria provided, single submitter. Criteria: ACMG Guidelines, 2015. Collection method: clinical testing. Allele origin: germline.
Comment: This variant is classified as likely benign based on ACMG/AMP sequence variant interpretation guidelines (Richards et al. 2015 PMID: 25741868, with internal and published modifications).

NM_020911.2(PLXNA4):c.1677C>T (p.Val559=)

Gene: PLXNA4 (plexin A4; minus strand). Cytogenetic location: 7q32.3.
Variant type: single nucleotide variant.
Coding change: c.1677C>T on transcript NM_020911.2 (MANE Select); coding-DNA position 1677, C replaced by T.
Protein change: p.Val559=; no amino-acid change (valine 559 retained).
Molecular consequence: synonymous variant.
Genome position (GRCh38, 1-based): chr7:132,228,397, G>A on the plus strand (C>T on the coding strand, the complement: PLXNA4 is on the minus strand). VCF-style: chr7-132228397-G-A. GRCh37 (hg19) VCF-style: chr7-131913156-G-A.
Other names: c.1677C>T, p.Val559= (NM_001393897.1).
Identifiers: ClinVar variation 4983771 (VCV004983771.1).